The following is an entry in ClinVar:

ClinVar aggregate classification (germline): Benign (0 of 4 stars; one submission).

Conditions:
ZFHX3-related disorder. Also called: ZFHX3-related condition.

Submission:

PreventionGenetics, part of Exact Sciences
Classification: Benign for ZFHX3-related condition. Last evaluated: 2019-12-11. Review status: no assertion criteria provided. Collection method: clinical testing. Allele origin: germline.
Comment: This variant is classified as benign based on ACMG/AMP sequence variant interpretation guidelines (Richards et al. 2015 PMID: 25741868, with internal and published modifications).

NM_006885.4(ZFHX3):c.9591GCA[8] (p.Gln3204_Pro3205insGln)

Genes: ZFHX3 (zinc finger homeobox 3; minus strand), ZFHX3-AS1 (ZFHX3 antisense RNA 1; plus strand). Cytogenetic location: 16q22.2.
Variant type: Microsatellite.
Coding change: c.9591GCA[8] on transcript NM_006885.4 (MANE Select); eight copies in a row of the 3-base unit GCA starting at c.9591; the reference has seven copies in a row; one copy, 3 bases duplicated.
Protein change: p.Gln3204_Pro3205insGln.
Genome position (GRCh38, 1-based): chr16:72,788,665-72,788,667, TGC duplicated on the plus strand (GCA on the coding strand, the reverse complement: ZFHX3 is on the minus strand); duplicating any 3 consecutive bases within chr16:72,788,665-72,788,687 gives the same sequence; the position shown is the placement nearest the transcript's 3' end. VCF-style (leftmost placement, unchanged base first): chr16-72788664-T-TTGC. GRCh37 (hg19) VCF-style: chr16-72822563-T-TTGC.
Other names: c.6849GCA[8], p.Gln2290_Pro2291insGln (NM_001164766.2); c.9591GCA[8], p.Gln3204_Pro3205insGln (NM_001386735.1).
Identifiers: ClinVar variation 3041487 (VCV003041487.2), dbSNP rs376311468, ClinGen allele CA8162801.